The following is an entry in ClinVar:

ClinVar aggregate classification (germline): Uncertain significance. Review status: criteria provided, single submitter (1 of 4 stars). 2 submissions from 2 submitters: Uncertain significance (1). 1 of the submissions does not count toward it. Last evaluated 2025-10-21.

Conditions:
Inborn genetic diseases. Identifiers: MedGen C0950123, MeSH D030342.
PHIP-related disorder. Also called: PHIP-related condition; PHIP-related disorders.

gnomAD v4.1: 11 of 1,613,616 alleles (0.00068%); highest among the groups gnomAD compares: African/African-American, 0.013%; no homozygotes.

Submissions (2):

Ambry Genetics
Classification: Uncertain significance for Inborn genetic diseases. Last evaluated: 2025-10-21. Review status: criteria provided, single submitter. Criteria: Ambry Variant Classification Scheme 2023. Collection method: clinical testing. Allele origin: germline.

PreventionGenetics, part of Exact Sciences
Classification: Uncertain significance for PHIP-related condition. Last evaluated: 2024-05-16. Review status: no assertion criteria provided. Collection method: clinical testing. Allele origin: germline. Not counted in ClinVar's aggregate classification.
Comment: The PHIP c.5291C>T variant is predicted to result in the amino acid substitution p.Pro1764Leu. To our knowledge, this variant has not been reported in the literature. This variant is reported in 0.012% of alleles in individuals of African descent in gnomAD. At this time, the clinical significance of this variant is uncertain due to the absence of conclusive functional and genetic evidence.

NM_017934.7(PHIP):c.5291C>T (p.Pro1764Leu)

Genes: IRAK1BP1 (interleukin 1 receptor associated kinase 1 binding protein 1; plus strand), PHIP (PHIP subunit of CUL4-Ring ligase complex; minus strand). Cytogenetic location: 6q14.1.
Variant type: single nucleotide variant.
Coding change: c.5291C>T on transcript NM_017934.7 (MANE Select); coding-DNA position 5291, C replaced by T.
Protein change: p.Pro1764Leu; replaces proline 1764 with leucine.
Molecular consequence: missense variant.
Genome position (GRCh38, 1-based): chr6:78,940,868, G>A on the plus strand (C>T on the coding strand, the complement: PHIP is on the minus strand). VCF-style: chr6-78940868-G-A. GRCh37 (hg19) VCF-style: chr6-79650585-G-A.
Other names: c.5291C>T (NM_017934.5); short protein forms P1764L.
Identifiers: ClinVar variation 3351647 (VCV003351647.2).